The following is an entry in ClinVar:

NM_001365536.1(SCN9A):c.3352-11T>C

Genes: SCN1A-AS1 (SCN1A and SCN9A antisense RNA 1; plus strand), SCN9A (sodium voltage-gated channel alpha subunit 9; minus strand). Cytogenetic location: 2q24.3.
Variant type: single nucleotide variant.
Coding change: c.3352-11T>C on transcript NM_001365536.1 (MANE Select); 11 bases into the intron before coding-DNA position 3352, T replaced by C.
Molecular consequence: intron variant. On other transcripts: non-coding transcript variant (1).
Genome position (GRCh38, 1-based): chr2:166,251,896, A>G on the plus strand (T>C on the coding strand, the complement: SCN9A is on the minus strand). VCF-style: chr2-166251896-A-G. GRCh37 (hg19) VCF-style: chr2-167108406-A-G.
Other names: c.3319-11T>C (NM_002977.4).
Identifiers: ClinVar variation 1973258 (VCV001973258.5), dbSNP rs1239503425, ClinGen allele CA429902615.
Genomic context (GRCh38, chr2:166,251,896, plus strand): 5'-AAAGGGTTATCAACTGTGCTGCACTCTGAGGAGCTTGACCGGTTTAATCTCTAGAAAGGA[A>G]TTCACCACCCCACCAGGTAGTTCATTTAGAGTTCATTCAAATATGATATTTAAGCCTTAT-3'

ClinVar aggregate classification (germline): Uncertain significance (1 of 4 stars; one submission).

Conditions:
Generalized epilepsy with febrile seizures plus, type 7 (GEFSP7). Also called: GEFS+, TYPE 7. Identifiers: Orphanet 36387, MedGen C2751778, MONDO:0013470, OMIM 613863.
Neuropathy, hereditary sensory and autonomic, type 2A (HSAN2A). Also called: MORVAN DISEASE; NEUROPATHY, CONGENITAL SENSORY; NEUROPATHY, HEREDITARY SENSORY RADICULAR, AUTOSOMAL RECESSIVE; NEUROPATHY, HEREDITARY SENSORY, TYPE IIA; NEUROPATHY, PROGRESSIVE SENSORY, OF CHILDREN; ACROOSTEOLYSIS, GIACCAI TYPE. Identifiers: Orphanet 970, MedGen C2752089, MONDO:0024309, OMIM 201300.

Allele frequency attached by ClinVar (database versions not stated): gnomAD 0.00001.
gnomAD v4.1: 2 of 1,611,730 alleles (0.00012%); highest among the groups gnomAD compares: Non-Finnish European, 0.00017%; no homozygotes.

Submission:

Labcorp Genetics (formerly Invitae), Labcorp
Classification: Uncertain significance for Neuropathy, hereditary sensory and autonomic, type 2A; Generalized epilepsy with febrile seizures plus, type 7. Last evaluated: 2022-04-01. Review status: criteria provided, single submitter. Criteria: Invitae Variant Classification Sherloc (09022015). Collection method: clinical testing. Allele origin: germline.
Comment: In summary, the available evidence is currently insufficient to determine the role of this variant in disease. Therefore, it has been classified as a Variant of Uncertain Significance. Algorithms developed to predict the effect of sequence changes on RNA splicing suggest that this variant may disrupt the consensus splice site. This variant has not been reported in the literature in individuals affected with SCN9A-related conditions. This variant is present in population databases (no rsID available, gnomAD 0.007%). This sequence change falls in intron 17 of the SCN9A gene. It does not directly change the encoded amino acid sequence of the SCN9A protein.